The following is an entry in ClinVar:

ClinVar aggregate classification (germline): Likely benign. Review status: criteria provided, single submitter (1 of 4 stars). 2 submissions from 2 submitters: Likely benign (1). 1 of the submissions does not count toward it. Last evaluated 2025-11-25.

Conditions:
PTPRO-related disorder. Also called: PTPRO-related condition.

Allele frequency attached by ClinVar (database versions not stated): gnomAD 0.00051; 1000 Genomes Project 0.00040; 1000 Genomes Project 30x 0.00047; TOPMed 0.00049; ESP Exome Variant Server 0.00054.
gnomAD v4.1: 139 of 1,608,486 alleles (0.0086%); highest among the groups gnomAD compares: African/African-American, 0.17%; no homozygotes.

Submissions (2):

Labcorp Genetics (formerly Invitae), Labcorp
Classification: Likely benign. Last evaluated: 2025-11-25. Review status: criteria provided, single submitter. Criteria: Invitae Variant Classification Sherloc (09022015). Collection method: clinical testing. Allele origin: germline.

PreventionGenetics, part of Exact Sciences
Classification: Likely benign for PTPRO-related condition. Last evaluated: 2019-07-09. Review status: no assertion criteria provided. Collection method: clinical testing. Allele origin: germline. Not counted in ClinVar's aggregate classification.
Comment: This variant is classified as likely benign based on ACMG/AMP sequence variant interpretation guidelines (Richards et al. 2015 PMID: 25741868, with internal and published modifications).

NM_030667.3(PTPRO):c.1099C>A (p.Arg367=)

Gene: PTPRO (protein tyrosine phosphatase receptor type O; plus strand). Cytogenetic location: 12p12.3.
Variant type: single nucleotide variant.
Coding change: c.1099C>A on transcript NM_030667.3 (MANE Select); coding-DNA position 1099, C replaced by A.
Protein change: p.Arg367=; no amino-acid change (arginine 367 retained).
Molecular consequence: synonymous variant.
Genome position (GRCh38, 1-based): chr12:15,502,057, C>A. VCF-style: chr12-15502057-C-A. GRCh37 (hg19) VCF-style: chr12-15654991-C-A.
Other names: c.1099C>A (NM_030667.2); c.1099C>A, p.Arg367= (NM_002848.4).
Identifiers: ClinVar variation 2721159 (VCV002721159.5), dbSNP rs149809140, ClinGen allele CA6466415.
Genomic context (GRCh38, chr12:15,502,057, plus strand): 5'-TTGACCTGGTTACCACCCAAACCACCCACTGCTTTTGATGGGTTCCATATCCATATTGAA[C>A]GAGAAGGTAAAGCAGTAGGAAATCAGAGGAAATAAGAACTGATACAAAGGAAGGGGAATT-3'
Protein context (NP_109592.1, residues 357-377): AFDGFHIHIE[Arg367=]EENFTEYLMV